The following is an entry in ClinVar:

ClinVar aggregate classification (germline): Uncertain significance (1 of 4 stars; one submission).

Conditions:
Hearing loss, autosomal dominant 85. Also called: Deafness, autosomal dominant 85. Identifiers: MedGen C5774302, MONDO:0859366, OMIM 620227.

gnomAD v4.1: 1 of 1,608,872 alleles (0.000062%); highest among the groups gnomAD compares: Non-Finnish European, 0.000085%; no homozygotes.

Submission:

Institute of Human Genetics, University of Goettingen
Classification: Uncertain significance for Hearing loss, autosomal dominant 85. Last evaluated: 2023-04-12. Review status: criteria provided, single submitter. Criteria: ACMG Guidelines, 2015. Collection method: clinical testing. Allele origin: unknown. Inheritance: Autosomal dominant inheritance. Observed: 1 heterozygote.
Comment: The variant c.982G>A (p.(Glu328Lys)) in exon 8 of the USP48-gene is not found in the gnomAD database, it affects a moderately conserved nucleotide, a highly conserved amino acid within a protein domain and there is a small physicochemical difference between Glu and Lys. ACMG criteria used for classification: PM2, PP2.

NM_032236.8(USP48):c.982G>A (p.Glu328Lys)

Gene: USP48 (ubiquitin specific peptidase 48; minus strand). Cytogenetic location: 1p36.12.
Variant type: single nucleotide variant.
Coding change: c.982G>A on transcript NM_032236.8 (MANE Select); coding-DNA position 982, G replaced by A.
Protein change: p.Glu328Lys; replaces glutamic acid 328 with lysine.
Molecular consequence: missense variant.
Genome position (GRCh38, 1-based): chr1:21,747,076, C>T on the plus strand (G>A on the coding strand, the complement: USP48 is on the minus strand). VCF-style: chr1-21747076-C-T. GRCh37 (hg19) VCF-style: chr1-22073569-C-T.
Other names: c.982G>A, p.Glu328Lys (NM_001032730.3, NM_001330394.3, NM_001350164.2 and 3 more transcripts); short protein forms E328K.
Identifiers: ClinVar variation 2498214 (VCV002498214.2), dbSNP rs2550460937, ClinGen allele CA338895513.